The following is an entry in ClinVar:

NM_000321.3(RB1):c.1720A>G (p.Lys574Glu)

Gene: RB1 (RB transcriptional corepressor 1; plus strand). Cytogenetic location: 13q14.2.
Variant type: single nucleotide variant.
Coding change: c.1720A>G on transcript NM_000321.3 (MANE Select); coding-DNA position 1720, A replaced by G.
Protein change: p.Lys574Glu; replaces lysine 574 with glutamic acid.
Molecular consequence: missense variant.
Genome position (GRCh38, 1-based): chr13:48,453,017, A>G. VCF-style: chr13-48453017-A-G. GRCh37 (hg19) VCF-style: chr13-49027153-A-G.
Other names: short protein forms K574E.
Identifiers: ClinVar variation 819907 (VCV000819907.19), dbSNP rs1593529910, ClinGen allele CA388165474.

ClinVar aggregate classification (germline): Uncertain significance. Review status: criteria provided, multiple submitters, no conflicts (2 of 4 stars). 5 submissions from 5 submitters: Uncertain significance (5). Last evaluated 2025-03-07.

Conditions:
Hereditary cancer. Identifiers: MedGen C1333600.
Hereditary cancer-predisposing syndrome. Also called: Neoplastic Syndromes, Hereditary; Tumor predisposition; Hereditary Cancer Syndrome; Hereditary neoplastic syndrome. Identifiers: Orphanet 140162, MedGen C0027672, MeSH D009386, MONDO:0015356.
Retinoblastoma (RB1). Also called: RETINOBLASTOMA, SOMATIC. Identifiers: Orphanet 790, MedGen C0035335, MeSH D012175, MONDO:0008380, OMIM 180200, HP:0009919. Disease mechanism: loss of function. Inheritance: Both sporadic and heritable forms are tested..

Submissions (5):

Labcorp Genetics (formerly Invitae), Labcorp
Classification: Uncertain significance for Retinoblastoma. Last evaluated: 2025-03-07. Review status: criteria provided, single submitter. Criteria: Invitae Variant Classification Sherloc (09022015). Collection method: clinical testing. Allele origin: germline.
Comment: This sequence change replaces lysine, which is basic and polar, with glutamic acid, which is acidic and polar, at codon 574 of the RB1 protein (p.Lys574Glu). This variant is not present in population databases (gnomAD no frequency). This variant has not been reported in the literature in individuals affected with RB1-related conditions. ClinVar contains an entry for this variant (Variation ID: 819907). Invitae Evidence Modeling of protein sequence and biophysical properties (such as structural, functional, and spatial information, amino acid conservation, physicochemical variation, residue mobility, and thermodynamic stability) indicates that this missense variant is not expected to disrupt RB1 protein function with a negative predictive value of 80%. In summary, the available evidence is currently insufficient to determine the role of this variant in disease. Therefore, it has been classified as a Variant of Uncertain Significance.

Ambry Genetics
Classification: Uncertain significance for Hereditary cancer-predisposing syndrome. Last evaluated: 2024-09-04. Review status: criteria provided, single submitter. Criteria: Ambry Variant Classification Scheme 2023. Collection method: clinical testing. Allele origin: germline.

GeneDx
Classification: Uncertain significance. Last evaluated: 2024-05-24. Review status: criteria provided, single submitter. Criteria: GeneDx Variant Classification Process June 2021. Collection method: clinical testing. Allele origin: germline. Affected: yes.
Comment: Not observed at significant frequency in large population cohorts (gnomAD); In silico analysis indicates that this missense variant does not alter protein structure/function; Has not been previously published as pathogenic or benign to our knowledge; This variant is associated with the following publications: (PMID: 23516486)

Mendelics
Classification: Uncertain significance for Hereditary cancer. Last evaluated: 2024-01-23. Review status: criteria provided, single submitter. Criteria: ACMG Guidelines, 2015. Collection method: clinical testing. Allele origin: unknown.

All of Us Research Program, National Institutes of Health
Classification: Uncertain significance for Retinoblastoma. Last evaluated: 2023-05-08. Review status: criteria provided, single submitter. Criteria: ACMG Guidelines, 2015. Collection method: clinical testing. Allele origin: germline. Inheritance: Autosomal dominant inheritance. Observed: 1 variant allele, 1 heterozygote.
Comment: This study involves interpretation of variants in research participants for the purpose of population health screening. Participant phenotype was not available at the time of variant classification. Additional details can be found in publication PMID: 35346344, PMCID: PMC8962531